The following is an entry in ClinVar:

NM_024105.4(ALG12):c.385A>T (p.Met129Leu)

Gene: ALG12 (ALG12 alpha-1,6-mannosyltransferase; minus strand). Cytogenetic location: 22q13.33.
Variant type: single nucleotide variant.
Coding change: c.385A>T on transcript NM_024105.4 (MANE Select); coding-DNA position 385, A replaced by T.
Protein change: p.Met129Leu; replaces methionine 129 with leucine.
Molecular consequence: missense variant.
Genome position (GRCh38, 1-based): chr22:49,910,518, T>A on the plus strand (A>T on the coding strand, the complement: ALG12 is on the minus strand). VCF-style: chr22-49910518-T-A. GRCh37 (hg19) VCF-style: chr22-50304166-T-A.
Other names: short protein forms M129L.
Identifiers: ClinVar variation 3694674 (VCV003694674.2).
Genomic context (GRCh38, chr22:49,910,518, plus strand): 5'-GCAGTGTCCGCGTGCAGTAGAACATCAGGTGGAACTGCATGGCCGTCACCCAGCAGAACA[T>A]GGTGGCCACCATGGCCCCGAAGTGCCGTCTCACTTCCTTTTGTAACGTCCAGAGTCCAAA-3'
Protein context (NP_077010.1, residues 119-139): RRHFGAMVAT[Met129Leu]FCWVTAMQFH

ClinVar aggregate classification (germline): Uncertain significance (1 of 4 stars; one submission).

Conditions:
ALG12-congenital disorder of glycosylation (CDG1G). Also called: ALG12-CDG; CDG Ig; Congenital disorder of glycosylation, type Ig. Identifiers: Orphanet 79324, MedGen C2931001, MONDO:0011783, OMIM 607143.

Submission:

Labcorp Genetics (formerly Invitae), Labcorp
Classification: Uncertain significance for ALG12-congenital disorder of glycosylation. Last evaluated: 2024-05-09. Review status: criteria provided, single submitter. Criteria: Invitae Variant Classification Sherloc (09022015). Collection method: clinical testing. Allele origin: germline.
Comment: This sequence change replaces methionine, which is neutral and non-polar, with leucine, which is neutral and non-polar, at codon 129 of the ALG12 protein (p.Met129Leu). This variant is present in population databases (rs200068410, gnomAD 0.003%). This variant has not been reported in the literature in individuals affected with ALG12-related conditions. Advanced modeling of protein sequence and biophysical properties (such as structural, functional, and spatial information, amino acid conservation, physicochemical variation, residue mobility, and thermodynamic stability) performed at Invitae indicates that this missense variant is not expected to disrupt ALG12 protein function with a negative predictive value of 80%. In summary, the available evidence is currently insufficient to determine the role of this variant in disease. Therefore, it has been classified as a Variant of Uncertain Significance.